The following is an entry in ClinVar:

ClinVar aggregate classification (germline): Pathogenic/Likely pathogenic. Review status: criteria provided, multiple submitters, no conflicts (2 of 4 stars). 7 submissions from 7 submitters: Pathogenic (6); Likely pathogenic (1). Last evaluated 2026-04-13.

Conditions:
Dystonia 30. Identifiers: MedGen C5543312, MONDO:0025691, OMIM 619291.

Allele frequency attached by ClinVar (database versions not stated): gnomAD exomes below 0.00001; TOPMed below 0.00001; gnomAD 0.00001.
gnomAD v4.1: 2 of 1,613,956 alleles (0.00012%); highest among the groups gnomAD compares: African/African-American, 0.0013%; no homozygotes.

Submissions (7):

GeneDx
Classification: Likely pathogenic. Last evaluated: 2026-04-13. Review status: criteria provided, single submitter. Criteria: GeneDx Variant Classification Process June 2021. Collection method: clinical testing. Allele origin: germline.
Comment: Not observed at significant frequency in large population cohorts (gnomAD); Nonsense variant predicted to result in protein truncation or nonsense mediated decay in a gene or region of a gene for which loss of function is not a well-established mechanism of disease; This variant is associated with the following publications: (PMID: 40655316, 34901436, 35872528, 33595841, 41200738, 32808683)

3billion
Classification: Pathogenic for Dystonia 30. Last evaluated: 2025-02-20. Review status: criteria provided, single submitter. Criteria: ACMG Guidelines, 2015. Collection method: clinical testing. Allele origin: germline. Affected: yes.
Comment: The variant is observed at an extremely low frequency in the gnomAD v4.1.0 dataset (total allele frequency: <0.001%). Predicted Consequence/Location: Stop-gained (nonsense): predicted to result in a loss or disruption of normal protein function through nonsense-mediated decay (NMD) or protein truncation. Multiple pathogenic variants are reported downstream of the variant. The variant has been reported at least twice as pathogenic with clinical assertions and evidence for the classification (ClinVar ID: VCV000987481 /PMID: 32808683). Therefore, this variant is classified as Pathogenic according to the recommendation of ACMG/AMP guideline.

Institute of Human Genetics Munich, TUM University Hospital
Classification: Pathogenic for Dystonia 30. Last evaluated: 2024-04-15. Review status: criteria provided, single submitter. Criteria: Classification criteria August 2017. Collection method: clinical testing. Allele origin: paternal. Inheritance: Autosomal dominant inheritance. Affected: yes. Observed: 1 variant allele.

CeGaT Center for Human Genetics Tuebingen
Classification: Pathogenic. Last evaluated: 2024-01-01. Review status: criteria provided, single submitter. Criteria: CeGaT Center For Human Genetics Tuebingen Variant Classification Criteria Version 2. Collection method: clinical testing. Allele origin: germline. Affected: yes. Observed: 2 variant alleles.
Comment: VPS16: PVS1, PS4:Moderate, PM2:Supporting

Institute of Medical Genetics and Applied Genomics, University Hospital Tübingen
Classification: Pathogenic. Last evaluated: 2020-10-23. Review status: criteria provided, single submitter. Criteria: ACMG Guidelines, 2015. Collection method: clinical testing. Allele origin: germline. Inheritance: Unknown mechanism. Affected: yes.

Institute for Medical Genetics and Human Genetics, Charité - Universitätsmedizin Berlin
Classification: Pathogenic for Dystonia 30. Review status: criteria provided, single submitter. Criteria: ACMG Guidelines, 2015. Collection method: not provided. Allele origin: germline. Inheritance: Autosomal dominant inheritance. Affected: yes.

Juno Genomics, Hangzhou Juno Genomics, Inc
Classification: Pathogenic for Dystonia 30. Review status: criteria provided, single submitter. Criteria: ACMG Guidelines, 2015. Collection method: clinical testing. Allele origin: germline.
Comment: Absent from controls (or at extremely low frequency if recessive) in Genome Aggregation Database.;Null variant in a gene where loss of function (LOF) is a known mechanism of disease.;The prevalence of the variant in affected individuals is significantly increased compared to the prevalence in controls.

Literature cited by the submitters: PubMed 32808683 (cited by 3billion).

NM_022575.4(VPS16):c.1903C>T (p.Arg635Ter)

Genes: PTPRA (protein tyrosine phosphatase receptor type A; plus strand), VPS16 (VPS16 core subunit of CORVET and HOPS complexes; plus strand). Cytogenetic location: 20p13.
Variant type: single nucleotide variant.
Coding change: c.1903C>T on transcript NM_022575.4 (MANE Select); coding-DNA position 1903, C replaced by T.
Protein change: p.Arg635Ter; replaces arginine 635 with a stop codon.
Molecular consequence: nonsense. On other transcripts: 5 prime UTR variant (1).
Genome position (GRCh38, 1-based): chr20:2,864,631, C>T. VCF-style: chr20-2864631-C-T. GRCh37 (hg19) VCF-style: chr20-2845277-C-T.
Other names: c.-400C>T (NM_002836.4); c.1471C>T, p.Arg491Ter (NM_080413.3); short protein forms R491*, R635*.
Identifiers: ClinVar variation 987481 (VCV000987481.46), dbSNP rs1422519039, ClinGen allele CA408060159.